The following is an entry in ClinVar:

NM_006017.3(PROM1):c.731G>T (p.Arg244Leu)

Gene: PROM1 (prominin 1; minus strand). Cytogenetic location: 4p15.32.
Variant type: single nucleotide variant.
Coding change: c.731G>T on transcript NM_006017.3 (MANE Select); coding-DNA position 731, G replaced by T.
Protein change: p.Arg244Leu; replaces arginine 244 with leucine.
Molecular consequence: missense variant.
Genome position (GRCh38, 1-based): chr4:16,023,379, C>A on the plus strand (G>T on the coding strand, the complement: PROM1 is on the minus strand). VCF-style: chr4-16023379-C-A. GRCh37 (hg19) VCF-style: chr4-16025002-C-A.
Other names: c.704G>T, p.Arg235Leu (NM_001145847.2, NM_001145848.2, NM_001145851.2 and 4 more transcripts); c.731G>T, p.Arg244Leu (NM_001145849.2, NM_001145850.2); short protein forms R244L, R235L.
Identifiers: ClinVar variation 950181 (VCV000950181.11), dbSNP rs369815021, ClinGen allele CA2866971.

ClinVar aggregate classification (germline): Uncertain significance. Review status: criteria provided, multiple submitters, no conflicts (2 of 4 stars). 3 submissions from 3 submitters: Uncertain significance (3). Last evaluated 2025-12-29.

Conditions:
PROM1-related disorder. Also called: PROM1-related disorders; PROM1-related condition.

Submissions (3):

PreventionGenetics, part of Exact Sciences
Classification: Uncertain significance for PROM1-related condition. Last evaluated: 2025-12-29. Review status: criteria provided, single submitter. Criteria: ACMG Guidelines, 2015. Collection method: clinical testing. Allele origin: germline.
Comment: The PROM1 c.731G>T variant is predicted to result in the amino acid substitution p.Arg244Leu. To our knowledge, this variant has not been reported in the literature. This variant is reported in 0.0030% of alleles in individuals of Latino descent in gnomAD. At this time, the clinical significance of this variant is uncertain due to the absence of conclusive functional and genetic evidence.

Labcorp Genetics (formerly Invitae), Labcorp
Classification: Uncertain significance. Last evaluated: 2022-09-07. Review status: criteria provided, single submitter. Criteria: Invitae Variant Classification Sherloc (09022015). Collection method: clinical testing. Allele origin: germline.
Comment: In summary, the available evidence is currently insufficient to determine the role of this variant in disease. Therefore, it has been classified as a Variant of Uncertain Significance. Algorithms developed to predict the effect of missense changes on protein structure and function are either unavailable or do not agree on the potential impact of this missense change (SIFT: "Tolerated"; PolyPhen-2: "Possibly Damaging"; Align-GVGD: "Class C0"). ClinVar contains an entry for this variant (Variation ID: 950181). This variant has not been reported in the literature in individuals affected with PROM1-related conditions. The frequency data for this variant in the population databases is considered unreliable, as metrics indicate poor data quality at this position in the gnomAD database. This sequence change replaces arginine, which is basic and polar, with leucine, which is neutral and non-polar, at codon 244 of the PROM1 protein (p.Arg244Leu).

Blueprint Genetics
Classification: Uncertain significance. Last evaluated: 2021-10-18. Review status: criteria provided, single submitter. Criteria: ACMG Guidelines, 2015. Collection method: clinical testing. Allele origin: germline.